The following is an entry in ClinVar:

NM_001379451.1(BCORL1):c.4766C>T (p.Pro1589Leu)

Gene: BCORL1 (BCL6 corepressor like 1; plus strand). Cytogenetic location: Xq26.1.
Variant type: single nucleotide variant.
Coding change: c.4766C>T on transcript NM_001379451.1 (MANE Select); coding-DNA position 4766, C replaced by T.
Protein change: p.Pro1589Leu; replaces proline 1589 with leucine.
Molecular consequence: missense variant.
Genome position (GRCh38, 1-based): chrX:130,039,208, C>T. VCF-style: chrX-130039208-C-T. GRCh37 (hg19) VCF-style: chrX-129173183-C-T.
Other names: c.4766C>T, p.Pro1589Leu (NM_001184772.3, NM_001379450.1, NM_001441326.1 and 2 more transcripts); c.4376C>T, p.Pro1459Leu (NM_001441329.1, NM_001441330.1, NM_001441331.1 and 1 more transcripts); c.4544C>T, p.Pro1515Leu (NM_021946.5); short protein forms P1459L, P1515L, P1589L.
Identifiers: ClinVar variation 4975914 (VCV004975914.1).
Genomic context (GRCh38, chrX:130,039,208, plus strand): 5'-ATGCGGTGGTCAATGACAACCTGGAGACCATCTGGCTCCTGCTGTCCTATGGGGCCGATC[C>T]CACACTGGCTACCTACTCGGGTCAGACAGCCATGAAGCTGGCCAGCAGCGACACCATGAA-3'
Protein context (NP_001366380.1, residues 1579-1599): IWLLLSYGAD[Pro1589Leu]TLATYSGQTA

ClinVar aggregate classification (germline): Uncertain significance (1 of 4 stars; one submission).

Submission:

GeneDx
Classification: Uncertain significance. Last evaluated: 2026-02-03. Review status: criteria provided, single submitter. Criteria: GeneDx Variant Classification Process June 2021. Collection method: clinical testing. Allele origin: germline.
Comment: Not observed at significant frequency in large population cohorts (gnomAD); In silico analysis supports that this missense variant has a deleterious effect on protein structure/function; Has not been previously published as pathogenic or benign to our knowledge